The following is an entry in ClinVar:

NM_000255.4(MMUT):c.1125G>A (p.Met375Ile)

Gene: MMUT (methylmalonyl-CoA mutase; minus strand). Cytogenetic location: 6p12.3.
Variant type: single nucleotide variant.
Coding change: c.1125G>A on transcript NM_000255.4 (MANE Select); coding-DNA position 1125, G replaced by A.
Protein change: p.Met375Ile; replaces methionine 375 with isoleucine.
Molecular consequence: missense variant.
Genome position (GRCh38, 1-based): chr6:49,451,673, C>T on the plus strand (G>A on the coding strand, the complement: MMUT is on the minus strand). VCF-style: chr6-49451673-C-T. GRCh37 (hg19) VCF-style: chr6-49419386-C-T.
Other names: short protein forms M375I.
Identifiers: ClinVar variation 290321 (VCV000290321.37), dbSNP rs148091558, ClinGen allele CA3846953.
Genomic context (GRCh38, chr6:49,451,673, plus strand): 5'-ACCCAAAGCTTCATCAAAAGAATTTGTGTGCAAAGACTGAGTCCCTCCAAATACTGCTGC[C>T]ATTGCTTCTATTGCAGTACGGACAATATTATTGTAGGGATCCTAAAATATTTGATAAAAA-3'
Protein context (NP_000246.2, residues 365-385): NNIVRTAIEA[Met375Ile]AAVFGGTQSL

ClinVar aggregate classification (germline): Conflicting classifications of pathogenicity. Review status: criteria provided, conflicting classifications (1 of 4 stars). 10 submissions from 10 submitters: Uncertain significance (5); Likely benign (3). 2 of the submissions do not count toward it. Last evaluated 2026-08-01.

Conditions:
Methylmalonic aciduria due to complete methylmalonyl-CoA mutase deficiency.
MMUT-related disorder. Also called: MMUT-related condition.
Methylmalonic aciduria due to methylmalonyl-CoA mutase deficiency (MAMM). Also called: Methylmalonic aciduria, mut type. Identifiers: Orphanet 27, MedGen C1855114, MONDO:0009612, OMIM 251000.

Allele frequency attached by ClinVar (database versions not stated): gnomAD 0.00156 and 0.00163; ESP Exome Variant Server 0.00169; gnomAD exomes 0.00181 and 0.00141; 1000 Genomes Project 0.00120; 1000 Genomes Project 30x 0.00125; TOPMed 0.00137; ExAC 0.00150.
gnomAD v4.1: 2,836 of 1,613,918 alleles (0.18%); highest among the groups gnomAD compares: Non-Finnish European, 0.23%; 4 homozygotes.

Submissions (10):

CeGaT Center for Human Genetics Tuebingen
Classification: Likely benign. Last evaluated: 2026-08-01. Review status: criteria provided, single submitter. Criteria: CeGaT Center For Human Genetics Tuebingen Variant Classification Criteria Version 2. Collection method: clinical testing. Allele origin: germline. Affected: yes. Observed: 2 variant alleles.
Comment: MMUT: BS2

Labcorp Genetics (formerly Invitae), Labcorp
Classification: Likely benign. Last evaluated: 2026-02-04. Review status: criteria provided, single submitter. Criteria: Invitae Variant Classification Sherloc (09022015). Collection method: clinical testing. Allele origin: germline.

GeneDx
Classification: Uncertain significance. Last evaluated: 2025-05-21. Review status: criteria provided, single submitter. Criteria: GeneDx Variant Classification Process June 2021. Collection method: clinical testing. Allele origin: germline. Affected: yes.
Comment: In silico analysis supports that this missense variant has a deleterious effect on protein structure/function; Has not been previously published as pathogenic or benign in association with methylmalonic acidemia to our knowledge; This variant is associated with the following publications: (PMID: 35460704, 28337550)

Blueprint Genetics
Classification: Likely benign. Last evaluated: 2024-11-27. Review status: criteria provided, single submitter. Criteria: ACMG Guidelines, 2015. Collection method: clinical testing. Allele origin: germline.

Revvity Omics, Revvity
Classification: Uncertain significance for Methylmalonic aciduria due to methylmalonyl-CoA mutase deficiency. Last evaluated: 2022-06-07. Review status: criteria provided, single submitter. Criteria: ACMG Guidelines, 2015. Collection method: clinical testing. Allele origin: germline.

ARUP Laboratories, Molecular Genetics and Genomics, ARUP Laboratories
Classification: Uncertain significance for Methylmalonic aciduria due to methylmalonyl-CoA mutase deficiency. Last evaluated: 2022-03-17. Review status: criteria provided, single submitter. Criteria: ARUP Molecular Germline Variant Investigation Process 2021. Collection method: clinical testing. Allele origin: germline.
Comment: The MMUT c.1125G>A; p.Met375Ile variant (rs148091558) is reported in the literature in individuals affected with multiple sclerosis, but is also found in healthy controls (Traboulsee 2017). This variant is also reported in ClinVar (Variation ID: 290321), and is found in the general population with an overall allele frequency of 0.16% (438/282374 alleles) in the Genome Aggregation Database. The methionine at codon 375 is highly conserved, and computational analyses predict that this variant is deleterious (REVEL: 0.853). Due to limited information, the clinical significance of the p.Met375Ile variant is uncertain at this time. References: Traboulsee AL et al. Common genetic etiology between "multiple sclerosis-like" single-gene disorders and familial multiple sclerosis. Hum Genet. 2017 Jun;136(6):705-714. PMID: 28337550.

Illumina Laboratory Services, Illumina
Classification: Uncertain significance for Methylmalonic aciduria due to methylmalonyl-CoA mutase deficiency. Last evaluated: 2018-01-12. Review status: criteria provided, single submitter. Criteria: ICSL Variant Classification Criteria 13 December 2019. Collection method: clinical testing. Allele origin: germline.

Eurofins Ntd Llc (ga)
Classification: Uncertain significance. Last evaluated: 2016-08-15. Review status: criteria provided, single submitter. Criteria: EGL Classification Definitions 2015. Collection method: clinical testing. Allele origin: germline. Observed: 1 variant allele, 1 heterozygote.

PreventionGenetics, part of Exact Sciences
Classification: Likely benign for MMUT-related condition. Last evaluated: 2022-05-22. Review status: no assertion criteria provided. Collection method: clinical testing. Allele origin: germline. Not counted in ClinVar's aggregate classification.
Comment: This variant is classified as likely benign based on ACMG/AMP sequence variant interpretation guidelines (Richards et al. 2015 PMID: 25741868, with internal and published modifications).

Natera, Inc.
Classification: Uncertain significance for Methylmalonic aciduria due to complete methylmalonyl-CoA mutase deficiency. Last evaluated: 2019-12-27. Review status: no assertion criteria provided. Collection method: clinical testing. Allele origin: germline. Not counted in ClinVar's aggregate classification.